The following is an entry in ClinVar:

NM_000179.3(MSH6):c.1588G>C (p.Asp530His)

Gene: MSH6 (mutS homolog 6; plus strand). Cytogenetic location: 2p16.3.
Variant type: single nucleotide variant.
Coding change: c.1588G>C on transcript NM_000179.3 (MANE Select); coding-DNA position 1588, G replaced by C.
Protein change: p.Asp530His; replaces aspartic acid 530 with histidine.
Molecular consequence: missense variant. On other transcripts: non-coding transcript variant (4), intron variant (1).
Genome position (GRCh38, 1-based): chr2:47,799,571, G>C. VCF-style: chr2-47799571-G-C. GRCh37 (hg19) VCF-style: chr2-48026710-G-C.
Other names: c.1198G>C, p.Asp400His (NM_001281492.2); c.682G>C, p.Asp228His (NM_001281493.2, NM_001281494.2, NM_001406811.1 and 6 more transcripts); c.1684G>C, p.Asp562His (NM_001406795.1, NM_001406802.1); c.1588G>C, p.Asp530His (NM_001406796.1, NM_001406798.1, NM_001406800.1 and 4 more transcripts); c.1291G>C, p.Asp431His (NM_001406797.1, NM_001406801.1, NM_001406805.1 and 10 more transcripts); c.1063G>C, p.Asp355His (NM_001406799.1, NM_001406806.1, NM_001406807.1); c.1510G>C, p.Asp504His (NM_001406804.1); c.1594G>C, p.Asp532His (NM_001406813.1); and 2 more; short protein forms D228H, D400H, D431H, D504H, D355H, D474H, D530H, D532H.
Identifiers: ClinVar variation 2587360 (VCV002587360.2), dbSNP rs2104353517, ClinGen allele CA346746889.

ClinVar aggregate classification (germline): Uncertain significance (1 of 4 stars; one submission).

Conditions:
Hereditary cancer-predisposing syndrome. Also called: Tumor predisposition; Hereditary Cancer Syndrome; Hereditary neoplastic syndrome; Neoplastic Syndromes, Hereditary. Identifiers: Orphanet 140162, MedGen C0027672, MeSH D009386, MONDO:0015356.

Submission:

Ambry Genetics
Classification: Uncertain significance for Hereditary cancer-predisposing syndrome. Last evaluated: 2023-09-01. Review status: criteria provided, single submitter. Criteria: Ambry Variant Classification Scheme 2023. Collection method: clinical testing. Allele origin: germline.
Comment: The p.D530H variant (also known as c.1588G>C), located in coding exon 4 of the MSH6 gene, results from a G to C substitution at nucleotide position 1588. The aspartic acid at codon 530 is replaced by histidine, an amino acid with similar properties. This amino acid position is conserved. In addition, the in silico prediction for this alteration is inconclusive. Since supporting evidence is limited at this time, the clinical significance of this alteration remains unclear.